The following is an entry in ClinVar:

NM_007294.4(BRCA1):c.5119A>T (p.Ile1707Phe)

Gene: BRCA1 (BRCA1 DNA repair associated; minus strand). Cytogenetic location: 17q21.31.
Variant type: single nucleotide variant.
Coding change: c.5119A>T on transcript NM_007294.4 (MANE Select); coding-DNA position 5119, A replaced by T.
Protein change: p.Ile1707Phe; replaces isoleucine 1707 with phenylalanine.
Molecular consequence: missense variant. On other transcripts: non-coding transcript variant (1).
Genome position (GRCh38, 1-based): chr17:43,063,907, T>A on the plus strand (A>T on the coding strand, the complement: BRCA1 is on the minus strand). VCF-style: chr17-43063907-T-A. GRCh37 (hg19) VCF-style: chr17-41215924-T-A.
Other names: c.4906A>T, p.Ile1636Phe (NM_001407571.1, NM_001407900.1, NM_001407902.1 and 12 more transcripts); c.5185A>T, p.Ile1729Phe (NM_001407581.1, NM_001407582.1); c.5182A>T, p.Ile1728Phe (NM_001407583.1, NM_001407585.1, NM_001407587.1 and 1 more transcripts); c.5179A>T, p.Ile1727Phe (NM_001407590.1, NM_001407591.1); c.5119A>T, p.Ile1707Phe (NM_001407593.1, NM_001407594.1, NM_001407596.1 and 7 more transcripts); c.5116A>T, p.Ile1706Phe (NM_001407610.1, NM_001407611.1, NM_001407612.1 and 17 more transcripts); c.5113A>T, p.Ile1705Phe (NM_001407627.1, NM_001407628.1, NM_001407629.1 and 14 more transcripts); c.5104A>T, p.Ile1702Phe (NM_001407647.1); and 71 more; short protein forms I603F, I1728F, I1660F, I1707F, I1411F, I1553F, I1578F, I1618F.
Identifiers: ClinVar variation 869056 (VCV000869056.3), dbSNP rs1597820147, ClinGen allele CA10591297.

Conditions:
Breast-ovarian cancer, familial, susceptibility to, 1 (BROVCA1). Also called: BRCA1 Hereditary Breast and Ovarian Cancer; OVARIAN CANCER, SUSCEPTIBILITY TO. Identifiers: Orphanet 145, MedGen C2676676, MONDO:0011450, OMIM 604370. Disease mechanism: loss of function.

Submission:

Brotman Baty Institute, University of Washington
No classification provided (evidence only). Condition: Breast-ovarian cancer, familial 1. Review status: no classification provided. Collection method: in vitro. Allele origin: not applicable. Functional consequence: functionally_abnormal.
ClinVar note: "not provided" was previously submitted as the classification for the variant. However, the classification appeared to be based only on an observation of functional data so it was converted to no classification on 2025-07-30.